The following is an entry in ClinVar:

ClinVar aggregate classification (germline): Pathogenic (1 of 4 stars; one submission).

Conditions:
Familial cancer of breast. Also called: hereditary breast carcinoma; BREAST CANCER, FAMILIAL; Hereditary breast cancer. Identifiers: Orphanet 227535, MedGen C0346153, MONDO:0016419, OMIM 114480. Disease mechanism: loss of function.

Submission:

Labcorp Genetics (formerly Invitae), Labcorp
Classification: Pathogenic for Familial cancer of breast. Last evaluated: 2022-10-23. Review status: criteria provided, single submitter. Criteria: Invitae Variant Classification Sherloc (09022015). Collection method: clinical testing. Allele origin: germline.
Comment: For these reasons, this variant has been classified as Pathogenic. ClinVar contains an entry for this variant (Variation ID: 1438612). This variant has not been reported in the literature in individuals affected with CHEK2-related conditions. This variant is not present in population databases (gnomAD no frequency). This sequence change creates a premature translational stop signal (p.Leu333Valfs*4) in the CHEK2 gene. It is expected to result in an absent or disrupted protein product. Loss-of-function variants in CHEK2 are known to be pathogenic (PMID: 21876083, 24713400).

Literature cited by the submitters: PubMed 21876083; PubMed 24713400.

NM_007194.4(CHEK2):c.996_1006del (p.Leu333fs)

Gene: CHEK2 (checkpoint kinase 2; minus strand). Cytogenetic location: 22q12.1.
Variant type: Deletion.
Coding change: c.996_1006del on transcript NM_007194.4 (MANE Select); coding-DNA positions 996 to 1006, 11 bases deleted (CTTGGCTGTGC).
Protein change: p.Leu333fs; shifts the reading frame from leucine 333.
Molecular consequence: frameshift variant.
Genome position (GRCh38, 1-based): chr22:28,699,840-28,699,850, GCACAGCCAAG deleted on the plus strand (CTTGGCTGTGC on the coding strand, the reverse complement: CHEK2 is on the minus strand). VCF-style (leftmost placement, unchanged base first): chr22-28699839-TGCACAGCCAAG-T. GRCh37 (hg19) VCF-style: chr22-29095827-TGCACAGCCAAG-T.
Other names: c.1125_1135delCTTGGCTGTGC, p.Leu376Valfs (NM_001005735.3); c.333_343delCTTGGCTGTGC, p.Leu112Valfs (NM_001257387.3); c.795_805delCTTGGCTGTGC, p.Leu266Valfs (NM_001349956.3); c.996_1006delCTTGGCTGTGC, p.Leu333Aspfs (NM_145862.3); short protein forms L376fs, L112fs, L266fs, L333fs.
Identifiers: ClinVar variation 1438612 (VCV001438612.7), dbSNP rs2145841388, ClinGen allele CA2573158020.